The following is an entry in ClinVar:

NM_001134363.3(RBM20):c.817G>C (p.Asp273His)

Gene: RBM20 (RNA binding motif protein 20; plus strand). Cytogenetic location: 10q25.2.
Variant type: single nucleotide variant.
Coding change: c.817G>C on transcript NM_001134363.3 (MANE Select); coding-DNA position 817, G replaced by C.
Protein change: p.Asp273His; replaces aspartic acid 273 with histidine.
Molecular consequence: missense variant.
Genome position (GRCh38, 1-based): chr10:110,781,426, G>C. VCF-style: chr10-110781426-G-C. GRCh37 (hg19) VCF-style: chr10-112541184-G-C.
Other names: short protein forms D273H.
Identifiers: ClinVar variation 2502566 (VCV002502566.1), dbSNP rs1254745089, ClinGen allele CA378383533.

ClinVar aggregate classification (germline): Uncertain significance (1 of 4 stars; one submission).

Submission:

GeneDx
Classification: Uncertain significance. Last evaluated: 2022-11-21. Review status: criteria provided, single submitter. Criteria: GeneDx Variant Classification Process June 2021. Collection method: clinical testing. Allele origin: germline. Affected: yes.
Comment: Not observed at significant frequency in large population cohorts (gnomAD); In silico analysis supports that this missense variant does not alter protein structure/function; Has not been previously published as pathogenic or benign to our knowledge